The following is an entry in ClinVar:

NM_001358530.2(MOCS1):c.253C>T (p.Gln85Ter)

Gene: MOCS1 (molybdenum cofactor synthesis 1; minus strand). Cytogenetic location: 6p21.2.
Variant type: single nucleotide variant.
Coding change: c.253C>T on transcript NM_001358530.2 (MANE Select); coding-DNA position 253, C replaced by T.
Protein change: p.Gln85Ter; replaces glutamine 85 with a stop codon.
Molecular consequence: nonsense. On other transcripts: 5 prime UTR variant (3), non-coding transcript variant (1).
Genome position (GRCh38, 1-based): chr6:39,925,843, G>A on the plus strand (C>T on the coding strand, the complement: MOCS1 is on the minus strand). VCF-style: chr6-39925843-G-A. GRCh37 (hg19) VCF-style: chr6-39893587-G-A.
Other names: c.253C>T, p.Gln85Ter (NM_001075098.4, NM_001358529.2, NM_005943.6); c.-9C>T (NM_001358531.2, NM_001358533.2, NM_001358534.2); short protein forms Q85*.
Identifiers: ClinVar variation 915349 (VCV000915349.28), dbSNP rs1768262580, ClinGen allele CA364044933.

ClinVar aggregate classification (germline): Pathogenic. Review status: criteria provided, multiple submitters, no conflicts (2 of 4 stars). 3 submissions from 3 submitters: Pathogenic (3). Last evaluated 2023-07-01.

Conditions:
MOCS1-related disorder. Also called: MOCS1-related condition.

Allele frequency attached by ClinVar (database versions not stated): gnomAD exomes below 0.00001.
gnomAD v4.1: 1 of 1,607,600 alleles (0.000062%); highest among the groups gnomAD compares: South Asian, 0.0011%; no homozygotes.

Submissions (3):

CeGaT Center for Human Genetics Tuebingen
Classification: Pathogenic. Last evaluated: 2023-07-01. Review status: criteria provided, single submitter. Criteria: CeGaT Center For Human Genetics Tuebingen Variant Classification Criteria Version 2. Collection method: clinical testing. Allele origin: germline. Affected: yes. Observed: 3 variant alleles.
Comment: MOCS1: PVS1, PM2, PM3

PreventionGenetics, part of Exact Sciences
Classification: Pathogenic for MOCS1-related condition. Last evaluated: 2022-09-20. Review status: criteria provided, single submitter. Criteria: ACMG Guidelines, 2015. Collection method: clinical testing. Allele origin: germline.
Comment: The MOCS1 c.253C>T variant is predicted to result in premature protein termination (p.Gln85*). This nonsense variant has been reported in the homozygous state in multiple individual with molybdenum cofactor deficiency (Reiss et al. 2011. PubMed ID: 21031595; Zaki et al. 2016. PubMed ID: 27289259). This variant has not been reported in a large population database, indicating this variant is rare. Nonsense variants in MOCS1 are expected to be pathogenic. This variant is interpreted as pathogenic.

Genomic Research Center, Shahid Beheshti University of Medical Sciences
Classification: Pathogenic. Last evaluated: 2020-05-03. Review status: criteria provided, single submitter. Criteria: ACMG Guidelines, 2015. Collection method: clinical testing. Allele origin: unknown. Affected: no.